The following is an entry in ClinVar:

ClinVar aggregate classification (germline): Uncertain significance (1 of 4 stars; one submission).

Conditions:
RYR1-related disorder. Also called: RYR1-related condition; RYR1-related disorders. Identifiers: MedGen CN239331.

gnomAD v4.1: 3 of 1,609,738 alleles (0.00019%); highest among the groups gnomAD compares: African/African-American, 0.0013%; no homozygotes.

Submission:

Labcorp Genetics (formerly Invitae), Labcorp
Classification: Uncertain significance for RYR1-related disorder. Last evaluated: 2021-01-05. Review status: criteria provided, single submitter. Criteria: Invitae Variant Classification Sherloc (09022015). Collection method: clinical testing. Allele origin: germline.
Comment: In summary, the available evidence is currently insufficient to determine the role of this variant in disease. Therefore, it has been classified as a Variant of Uncertain Significance. This sequence change replaces arginine with leucine at codon 1655 of the RYR1 protein (p.Arg1655Leu). The arginine residue is moderately conserved and there is a moderate physicochemical difference between arginine and leucine. This variant is not present in population databases (ExAC no frequency). This variant has not been reported in the literature in individuals with RYR1-related conditions. Advanced modeling of protein sequence and biophysical properties (such as structural, functional, and spatial information, amino acid conservation, physicochemical variation, residue mobility, and thermodynamic stability) performed at Invitae indicates that this missense variant is not expected to disrupt RYR1 protein function.

NM_000540.3(RYR1):c.4964G>T (p.Arg1655Leu)

Gene: RYR1 (ryanodine receptor 1; plus strand). Cytogenetic location: 19q13.2.
Variant type: single nucleotide variant.
Coding change: c.4964G>T on transcript NM_000540.3 (MANE Select); coding-DNA position 4964, G replaced by T.
Protein change: p.Arg1655Leu; replaces arginine 1655 with leucine.
Molecular consequence: missense variant.
Genome position (GRCh38, 1-based): chr19:38,485,619, G>T. VCF-style: chr19-38485619-G-T. GRCh37 (hg19) VCF-style: chr19-38976259-G-T.
Other names: c.4964G>T, p.Arg1655Leu (NM_001042723.2); short protein forms R1655L.
Identifiers: ClinVar variation 1062939 (VCV001062939.9), dbSNP rs781159223, ClinGen allele CA405652662.
Genomic context (GRCh38, chr19:38,485,619, plus strand): 5'-TGTCCCTGTCTGTTTCCCACCTCTGCTGCAGGTGCATGGACATCCTGGAGCTGTCGGAGC[G>T]CCTGGACCTGCAGCGCTTCCACTCGCACACCCTGCGCCTCTACCGCGCTGTGTGCGCCCT-3'
Protein context (NP_000531.2, residues 1645-1665): RCMDILELSE[Arg1655Leu]LDLQRFHSHT